The following is an entry in ClinVar:

NM_001291415.2(KDM6A):c.3613T>C (p.Cys1205Arg)

Gene: KDM6A (lysine demethylase 6A; plus strand). Cytogenetic location: Xp11.3.
Variant type: single nucleotide variant.
Coding change: c.3613T>C on transcript NM_001291415.2 (MANE Select); coding-DNA position 3613, T replaced by C.
Protein change: p.Cys1205Arg; replaces cysteine 1205 with arginine.
Molecular consequence: missense variant. On other transcripts: non-coding transcript variant (1).
Genome position (GRCh38, 1-based): chrX:45,085,888, T>C. VCF-style: chrX-45085888-T-C. GRCh37 (hg19) VCF-style: chrX-44945133-T-C.
Other names: c.3478T>C, p.Cys1160Arg (NM_001291416.2); c.3322T>C, p.Cys1108Arg (NM_001291417.2); c.3220T>C, p.Cys1074Arg (NM_001291418.2); c.2569T>C, p.Cys857Arg (NM_001291421.2); c.3457T>C, p.Cys1153Arg (NM_021140.4); short protein forms C1074R, C1205R, C1153R, C1160R, C857R, C1108R.
Identifiers: ClinVar variation 658661 (VCV000658661.1), dbSNP rs1602965199, ClinGen allele CA412804997.

ClinVar aggregate classification (germline): Uncertain significance (1 of 4 stars; one submission).

Conditions:
Kabuki syndrome 2 (KABUK2). Also called: KDM6A-Related Kabuki Syndrome. Identifiers: Orphanet 2322, MedGen C3275495, MONDO:0010465, OMIM 300867.

Submission:

Labcorp Genetics (formerly Invitae), Labcorp
Classification: Uncertain significance for Kabuki syndrome 2. Last evaluated: 2018-11-01. Review status: criteria provided, single submitter. Criteria: Invitae Variant Classification Sherloc (09022015). Collection method: clinical testing. Allele origin: germline.
Comment: This sequence change replaces cysteine with arginine at codon 1153 of the KDM6A protein (p.Cys1153Arg). The cysteine residue is highly conserved and there is a large physicochemical difference between cysteine and arginine. This variant is not present in population databases (ExAC no frequency). This variant has not been reported in the literature in individuals with KDM6A-related disease. Algorithms developed to predict the effect of missense changes on protein structure and function (SIFT, PolyPhen-2, Align-GVGD) all suggest that this variant is likely to be disruptive, but these predictions have not been confirmed by published functional studies and their clinical significance is uncertain. In summary, the available evidence is currently insufficient to determine the role of this variant in disease. Therefore, it has been classified as a Variant of Uncertain Significance.